The following is an entry in ClinVar:

NM_031885.5(BBS2):c.1770del (p.Phe590fs)

Gene: BBS2 (Bardet-Biedl syndrome 2; minus strand). Cytogenetic location: 16q13.
Variant type: Deletion.
Coding change: c.1770del on transcript NM_031885.5 (MANE Select); coding-DNA position 1770, one base deleted (T; older notation c.1770delT).
Protein change: p.Phe590fs; shifts the reading frame from phenylalanine 590.
Molecular consequence: frameshift variant. On other transcripts: non-coding transcript variant (5).
Genome position (GRCh38, 1-based): chr16:56,497,770, A deleted on the plus strand (T on the coding strand, the reverse complement: BBS2 is on the minus strand); the first of 4 consecutive A bases (chr16:56,497,770-56,497,773); deleting any one gives the same sequence. VCF-style (leftmost placement, unchanged base first): chr16-56497769-CA-C. GRCh37 (hg19) VCF-style: chr16-56531681-CA-C.
Other names: c.1770del (NM_031885.3); c.1770del, p.Phe590fs (NM_001377456.1); short protein forms F590fs.
Identifiers: ClinVar variation 35755 (VCV000035755.14), dbSNP rs193922711, ClinGen allele CA260184.

ClinVar aggregate classification (germline): Pathogenic/Likely pathogenic. Review status: criteria provided, multiple submitters, no conflicts (2 of 4 stars). 5 submissions from 5 submitters: Pathogenic (3); Likely pathogenic (1). 1 of the submissions does not count toward it. Last evaluated 2024-11-21.

Conditions:
BBS2-related disorder. Also called: BBS2-related condition; BBS2-related disorders. Identifiers: MedGen CN239228.
Bardet-Biedl syndrome (BBS). Identifiers: Orphanet 110, MedGen C0752166, MONDO:0015229.
Bardet-Biedl syndrome 2 (BBS2). Identifiers: Orphanet 110, MedGen C2936863, MONDO:0014432, OMIM 615981.

Submissions (5):

Labcorp Genetics (formerly Invitae), Labcorp
Classification: Pathogenic for Bardet-Biedl syndrome. Last evaluated: 2024-11-21. Review status: criteria provided, single submitter. Criteria: Invitae Variant Classification Sherloc (09022015). Collection method: clinical testing. Allele origin: germline.
Comment: This sequence change creates a premature translational stop signal (p.Phe590Leufs*8) in the BBS2 gene. It is expected to result in an absent or disrupted protein product. Loss-of-function variants in BBS2 are known to be pathogenic (PMID: 11285252, 20177705, 24608809, 26518167). This variant is present in population databases (rs193922711, gnomAD 0.003%). This variant has not been reported in the literature in individuals affected with BBS2-related conditions. ClinVar contains an entry for this variant (Variation ID: 35755). For these reasons, this variant has been classified as Pathogenic.

Baylor Genetics
Classification: Pathogenic for Bardet-Biedl syndrome 2. Last evaluated: 2024-03-07. Review status: criteria provided, single submitter. Criteria: ACMG Guidelines, 2015. Collection method: clinical testing. Allele origin: unknown.

PreventionGenetics, part of Exact Sciences
Classification: Pathogenic for BBS2-related condition. Last evaluated: 2023-06-16. Review status: criteria provided, single submitter. Criteria: ACMG Guidelines, 2015. Collection method: clinical testing. Allele origin: germline.
Comment: The BBS2 c.1770delT variant is predicted to result in a frameshift and premature protein termination (p.Phe590Leufs*8). To our knowledge, this variant has not been reported in the literature. This variant is reported in 0.0029% of alleles in individuals of Latino descent in gnomAD. Frameshift variants in BBS2 are expected to be pathogenic. This variant is interpreted as pathogenic.

Women's Health and Genetics/Laboratory Corporation of America, LabCorp
Classification: Likely pathogenic for Bardet-Biedl Syndrome. Last evaluated: 2011-08-18. Review status: criteria provided, single submitter. Criteria: LabCorp Variant Classification Summary - May 2015. Collection method: curation, clinical testing. Allele origin: germline. Inheritance: autosomal unknown. Affected: yes.
ClinVar note: Converted during submission from likely pathogenic to Likely pathogenic.

Quest Diagnostics Nichols Institute San Juan Capistrano
Classification: Pathogenic for Bardet-Biedl syndrome 2. Last evaluated: 2014-05-25. Review status: no assertion criteria provided. Collection method: clinical testing. Allele origin: inherited. Affected: yes. Observed: 1 variant allele. Not counted in ClinVar's aggregate classification.
Comment: A homozygous frameshift mutation in exon 14 of BBS2 gene.

Literature cited by the submitters: PubMed 11285252 (cited by Labcorp Genetics (formerly Invitae), Labcorp); PubMed 20177705 (cited by Labcorp Genetics (formerly Invitae), Labcorp); PubMed 24608809 (cited by Labcorp Genetics (formerly Invitae), Labcorp); PubMed 26518167 (cited by Labcorp Genetics (formerly Invitae), Labcorp).